The following is an entry in ClinVar:

ClinVar aggregate classification (germline): Uncertain significance. Review status: criteria provided, multiple submitters, no conflicts (2 of 4 stars). 2 submissions from 2 submitters: Uncertain significance (2). Last evaluated 2025-01-20.

Conditions:
Inborn genetic diseases. Identifiers: MedGen C0950123, MeSH D030342.
Left ventricular noncompaction 8 (LVNC8). Identifiers: Orphanet 154, Orphanet 54260, MedGen C3809288, MONDO:0014152, OMIM 615373.

Allele frequency attached by ClinVar (database versions not stated): TOPMed 0.00004; gnomAD 0.00001.
gnomAD v4.1: 8 of 1,501,982 alleles (0.00053%); highest among the groups gnomAD compares: South Asian, 0.004%; no homozygotes.

Submissions (2):

Ambry Genetics
Classification: Uncertain significance for Inborn genetic diseases. Last evaluated: 2025-01-20. Review status: criteria provided, single submitter. Criteria: Ambry Variant Classification Scheme 2023. Collection method: clinical testing. Allele origin: germline.

Labcorp Genetics (formerly Invitae), Labcorp
Classification: Uncertain significance for Left ventricular noncompaction 8. Last evaluated: 2024-07-16. Review status: criteria provided, single submitter. Criteria: Invitae Variant Classification Sherloc (09022015). Collection method: clinical testing. Allele origin: germline.
Comment: This sequence change replaces proline, which is neutral and non-polar, with leucine, which is neutral and non-polar, at codon 852 of the PRDM16 protein (p.Pro852Leu). The frequency data for this variant in the population databases is considered unreliable, as metrics indicate poor data quality at this position in the gnomAD database. This variant has not been reported in the literature in individuals affected with PRDM16-related conditions. ClinVar contains an entry for this variant (Variation ID: 2071690). An algorithm developed to predict the effect of missense changes on protein structure and function (PolyPhen-2) suggests that this variant is likely to be tolerated. In summary, the available evidence is currently insufficient to determine the role of this variant in disease. Therefore, it has been classified as a Variant of Uncertain Significance.

NM_022114.4(PRDM16):c.2555C>T (p.Pro852Leu)

Gene: PRDM16 (PR/SET domain 16; plus strand). Cytogenetic location: 1p36.32.
Variant type: single nucleotide variant.
Coding change: c.2555C>T on transcript NM_022114.4 (MANE Select); coding-DNA position 2555, C replaced by T.
Protein change: p.Pro852Leu; replaces proline 852 with leucine.
Molecular consequence: missense variant.
Genome position (GRCh38, 1-based): chr1:3,412,752, C>T. VCF-style: chr1-3412752-C-T. GRCh37 (hg19) VCF-style: chr1-3329316-C-T.
Other names: c.2555C>T, p.Pro852Leu (NM_199454.3); c.2555C>T (NM_022114.3); short protein forms P852L.
Identifiers: ClinVar variation 2071690 (VCV002071690.5), dbSNP rs771456448, ClinGen allele CA544507.